The following is an entry in ClinVar:

NM_001164688.2(RD3):c.*1281G>A

Gene: RD3 (RD3 regulator of GUCY2D; minus strand). Cytogenetic location: 1q32.3.
Variant type: single nucleotide variant.
Coding change: c.*1281G>A on transcript NM_001164688.2 (MANE Select); 1281 bases downstream of the stop codon, G replaced by A.
Molecular consequence: 3 prime UTR variant.
Genome position (GRCh38, 1-based): chr1:211,477,755, C>T on the plus strand (G>A on the coding strand, the complement: RD3 is on the minus strand). VCF-style: chr1-211477755-C-T. GRCh37 (hg19) VCF-style: chr1-211651097-C-T.
Other names: c.*1281G>A (NM_183059.3).
Identifiers: ClinVar variation 295243 (VCV000295243.6), dbSNP rs73072853, ClinGen allele CA10609706.
Genomic context (GRCh38, chr1:211,477,755, plus strand): 5'-TTCAAAAAAACTTTTTTCCACTGAGGGAATACACACTTTTCCCCCCTGTTGATTATATCT[C>T]CTCCGGGTATTTTATTTAGGCTACTATTAAGGTCCACTTGCATTTTCTGCATGTGTGCTG-3'

ClinVar aggregate classification (germline): Likely benign. Review status: criteria provided, multiple submitters, no conflicts (2 of 4 stars). 2 submissions from 2 submitters: Likely benign (2). Last evaluated 2018-01-13.

Conditions:
Leber congenital amaurosis 12 (LCA12). Identifiers: Orphanet 65, MedGen C1857743, MONDO:0012525, OMIM 610612.

Allele frequency attached by ClinVar (database versions not stated): gnomAD exomes 0.03156; 1000 Genomes Project 0.03994; 1000 Genomes Project 30x 0.04216; gnomAD 0.05082 and 0.05356; TOPMed 0.05247.
gnomAD v4.1: 9,947 of 221,532 alleles (4.5%); highest among the groups gnomAD compares: African/African-American, 9.9%; 330 homozygotes.

Submissions (2):

Illumina Laboratory Services, Illumina
Classification: Likely benign for Leber congenital amaurosis 12. Last evaluated: 2018-01-13. Review status: criteria provided, single submitter. Criteria: ICSL Variant Classification Criteria 13 December 2019. Collection method: clinical testing. Allele origin: germline.
Comment: This variant was observed in the ICSL laboratory as part of a predisposition screen in an ostensibly healthy population. It had not been previously curated by ICSL or reported in the Human Gene Mutation Database (HGMD: prior to June 1st, 2018), and was therefore a candidate for classification through an automated scoring system. Utilizing variant allele frequency, disease prevalence and penetrance estimates, and inheritance mode, an automated score was calculated to assess if this variant is too frequent to cause the disease. Based on the score and internal cut-off values, a variant classified as likely benign is not then subjected to further curation. The score for this variant resulted in a classification of likely benign for this disease.

Breakthrough Genomics
Classification: Likely benign. Review status: criteria provided, single submitter. Criteria: ACMG Guidelines, 2015. Collection method: not provided. Allele origin: germline. Inheritance: Autosomal recessive inheritance. Affected: yes.